The following is an entry in ClinVar:

NM_000484.4(APP):c.1463G>A (p.Arg488His)

Genes: APP (amyloid beta precursor protein; minus strand), LOC126653330 (CDK7 strongly-dependent group 2 enhancer GRCh37_chr21:27326978-27328177; plus strand). Cytogenetic location: 21q21.3.
Variant type: single nucleotide variant.
Coding change: c.1463G>A on transcript NM_000484.4 (MANE Select); coding-DNA position 1463, G replaced by A.
Protein change: p.Arg488His; replaces arginine 488 with histidine.
Molecular consequence: missense variant.
Genome position (GRCh38, 1-based): chr21:25,955,751, C>T on the plus strand (G>A on the coding strand, the complement: APP is on the minus strand). VCF-style: chr21-25955751-C-T. GRCh37 (hg19) VCF-style: chr21-27328065-C-T.
Other names: c.1391G>A, p.Arg464His (NM_001136016.3); c.1070G>A, p.Arg357His (NM_001136129.3); c.1295G>A, p.Arg432His (NM_001136130.3, NM_001385253.1); c.1133G>A, p.Arg378His (NM_001136131.3); c.1463G>A, p.Arg488His (NM_001204301.2); c.1406G>A, p.Arg469His (NM_001204302.2, NM_201413.3); c.1238G>A, p.Arg413His (NM_001204303.2, NM_201414.3); short protein forms R464H, R357H, R378H, R413H, R469H, R432H, R488H.
Identifiers: ClinVar variation 1412556 (VCV001412556.6), dbSNP rs200587958, ClinGen allele CA9987300.
Genomic context (GRCh38, chr21:25,955,751, plus strand): 5'-GTGTGCTGTCTGTCCTTCTGTTCTGCGCGGACATACTTCTTTAGCATATTGAACACGTGA[C>T]GAGGCTGTGGGAGGAAAATGAAAAACTCTTTTTCAAGTTTGTGCAAAACACTGCTTCTTC-3'
Protein context (NP_000475.1, residues 478-498): TALQAVPPRP[Arg488His]HVFNMLKKYV

ClinVar aggregate classification (germline): Uncertain significance (1 of 4 stars; one submission).

Conditions:
Alzheimer disease. Also called: Alzheimer's disease; Presenile and senile dementia. Identifiers: Orphanet 1020, MedGen C0002395, MeSH D000544, MONDO:0004975, HP:0002511.

Allele frequency attached by ClinVar (database versions not stated): ExAC 0.00001; gnomAD 0.00001 and 0.00002; gnomAD exomes 0.00001; TOPMed 0.00001.
gnomAD v4.1: 12 of 1,613,952 alleles (0.00074%); highest among the groups gnomAD compares: African/African-American, 0.004%; no homozygotes.

Submission:

Labcorp Genetics (formerly Invitae), Labcorp
Classification: Uncertain significance for Alzheimer disease. Last evaluated: 2021-08-23. Review status: criteria provided, single submitter. Criteria: Invitae Variant Classification Sherloc (09022015). Collection method: clinical testing. Allele origin: germline.
Comment: This sequence change replaces arginine with histidine at codon 488 of the APP protein (p.Arg488His). The arginine residue is highly conserved and there is a small physicochemical difference between arginine and histidine. This variant is present in population databases (rs200587958, ExAC 0.01%). This variant has not been reported in the literature in individuals affected with APP-related conditions. Algorithms developed to predict the effect of missense changes on protein structure and function output the following: SIFT: "Tolerated"; PolyPhen-2: "Benign"; Align-GVGD: "Class C0". The histidine amino acid residue is found in multiple mammalian species, which suggests that this missense change does not adversely affect protein function. In summary, the available evidence is currently insufficient to determine the role of this variant in disease. Therefore, it has been classified as a Variant of Uncertain Significance.